The following is an entry in ClinVar:

ClinVar aggregate classification (germline): Pathogenic/Likely pathogenic. Review status: criteria provided, multiple submitters, no conflicts (2 of 4 stars). 3 submissions from 3 submitters: Pathogenic (1); Likely pathogenic (1). 1 of the submissions does not count toward it. Last evaluated 2024-09-19.

Conditions:
Autosomal dominant intellectual disability-craniofacial anomalies-cardiac defects syndrome (ARTHS). Also called: Arboleda-Tham syndrome; Mental retardation, autosomal dominant 32; KAT6A syndrome. Identifiers: Orphanet 457193, MedGen C4225396, MONDO:0014558, OMIM 616268.

Allele frequency attached by ClinVar (database versions not stated): gnomAD exomes below 0.00001; TOPMed 0.00001.
gnomAD v4.1: 1 of 1,606,732 alleles (0.000062%); highest among the groups gnomAD compares: Non-Finnish European, 0.000085%; no homozygotes.

Submissions (3):

GeneDx
Classification: Pathogenic. Last evaluated: 2024-09-19. Review status: criteria provided, single submitter. Criteria: GeneDx Variant Classification Process June 2021. Collection method: clinical testing. Allele origin: germline. Affected: yes.
Comment: Not observed at significant frequency in large population cohorts (gnomAD); In silico analysis supports that this missense variant has a deleterious effect on protein structure/function; This variant is associated with the following publications: (PMID: 27133397, 30245513, 35982159, 33057194)

Labcorp Genetics (formerly Invitae), Labcorp
Classification: Likely pathogenic. Last evaluated: 2024-05-19. Review status: criteria provided, single submitter. Criteria: Invitae Variant Classification Sherloc (09022015). Collection method: clinical testing. Allele origin: germline.
Comment: This sequence change replaces asparagine, which is neutral and polar, with serine, which is neutral and polar, at codon 643 of the KAT6A protein (p.Asn643Ser). This variant is not present in population databases (gnomAD no frequency). This missense change has been observed in individual(s) with KAT6A-related conditions (PMID: 27133397). In at least one individual the variant was observed to be de novo. ClinVar contains an entry for this variant (Variation ID: 626907). Advanced modeling of protein sequence and biophysical properties (such as structural, functional, and spatial information, amino acid conservation, physicochemical variation, residue mobility, and thermodynamic stability) has been performed at Invitae for this missense variant, however the output from this modeling did not meet the statistical confidence thresholds required to predict the impact of this variant on KAT6A protein function. In summary, the currently available evidence indicates that the variant is pathogenic, but additional data are needed to prove that conclusively. Therefore, this variant has been classified as Likely Pathogenic.

OMIM
Classification: Pathogenic for ARBOLEDA-THAM SYNDROME. Last evaluated: 2021-05-14. Review status: no assertion criteria provided. Collection method: literature only. Allele origin: germline. Not counted in ClinVar's aggregate classification.

Literature cited by the submitters: PubMed 27133397 (cited by Labcorp Genetics (formerly Invitae), Labcorp and OMIM); Hamosh, A. Personal Communication. 2019. Baltimore, Md. (cited by OMIM).

NM_006766.5(KAT6A):c.1928A>G (p.Asn643Ser)

Gene: KAT6A (lysine acetyltransferase 6A; minus strand). Cytogenetic location: 8p11.21.
Variant type: single nucleotide variant.
Coding change: c.1928A>G on transcript NM_006766.5 (MANE Select); coding-DNA position 1928, A replaced by G.
Protein change: p.Asn643Ser; replaces asparagine 643 with serine.
Molecular consequence: missense variant.
Genome position (GRCh38, 1-based): chr8:41,946,659, T>C on the plus strand (A>G on the coding strand, the complement: KAT6A is on the minus strand). VCF-style: chr8-41946659-T-C. GRCh37 (hg19) VCF-style: chr8-41804177-T-C.
Other names: N643S; c.1928A>G, p.Asn643Ser (NM_001305878.2); c.1928A>G (NM_006766.3).
Identifiers: ClinVar variation 626907 (VCV000626907.8), dbSNP rs1822412202, ClinGen allele CA371073654.